The following is an entry in ClinVar:

ClinVar aggregate classification (germline): Uncertain significance. Review status: criteria provided, multiple submitters, no conflicts (2 of 4 stars). 2 submissions from 2 submitters: Uncertain significance (2). Last evaluated 2023-04-01.

Conditions:
Nephrolithiasis/nephrocalcinosis. Identifiers: MedGen CN580796.
Familial hypocalciuric hypercalcemia (FHH). Also called: Familial benign hypercalcemia. Identifiers: Orphanet 405, MedGen C1809471, MONDO:0018458.
Autosomal dominant hypocalcemia 1 (HYPOC1). Also called: HYPOCALCEMIA, FAMILIAL. Identifiers: MedGen C3715128, MONDO:0011013, OMIM 601198.

Submissions (2):

Ambry Genetics
Classification: Uncertain significance for Nephrolithiasis/nephrocalcinosis. Last evaluated: 2023-04-01. Review status: criteria provided, single submitter. Criteria: Ambry Variant Classification Scheme 2023. Collection method: clinical testing. Allele origin: germline.
Comment: The p.S956Y variant (also known as c.2867C>A), located in coding exon 6 of the CASR gene, results from a C to A substitution at nucleotide position 2867. The serine at codon 956 is replaced by tyrosine, an amino acid with dissimilar properties. This amino acid position is conserved. In addition, this alteration is predicted to be tolerated by in silico analysis. Since supporting evidence is limited at this time, the clinical significance of this alteration remains unclear.

Labcorp Genetics (formerly Invitae), Labcorp
Classification: Uncertain significance for Familial hypocalciuric hypercalcemia; Autosomal dominant hypocalcemia 1. Last evaluated: 2021-08-02. Review status: criteria provided, single submitter. Criteria: Invitae Variant Classification Sherloc (09022015). Collection method: clinical testing. Allele origin: germline.
Comment: In summary, the available evidence is currently insufficient to determine the role of this variant in disease. Therefore, it has been classified as a Variant of Uncertain Significance. Algorithms developed to predict the effect of missense changes on protein structure and function (SIFT, PolyPhen-2, Align-GVGD) all suggest that this variant is likely to be tolerated, but these predictions have not been confirmed by published functional studies and their clinical significance is uncertain. This variant has not been reported in the literature in individuals with CASR-related conditions. This variant is not present in population databases (ExAC no frequency). This sequence change replaces serine with tyrosine at codon 956 of the CASR protein (p.Ser956Tyr). The serine residue is weakly conserved and there is a large physicochemical difference between serine and tyrosine.

NM_000388.4(CASR):c.2867C>A (p.Ser956Tyr)

Gene: CASR (calcium sensing receptor; plus strand). Cytogenetic location: 3q21.1.
Variant type: single nucleotide variant.
Coding change: c.2867C>A on transcript NM_000388.4 (MANE Select); coding-DNA position 2867, C replaced by A.
Protein change: p.Ser956Tyr; replaces serine 956 with tyrosine.
Molecular consequence: missense variant.
Genome position (GRCh38, 1-based): chr3:122,284,821, C>A. VCF-style: chr3-122284821-C-A. GRCh37 (hg19) VCF-style: chr3-122003668-C-A.
Other names: c.2897C>A, p.Ser966Tyr (NM_001178065.2); short protein forms S966Y, S956Y.
Identifiers: ClinVar variation 969030 (VCV000969030.11), dbSNP rs2074947543, ClinGen allele CA354160940.